The following is an entry in ClinVar:

NM_015346.4(ZFYVE26):c.7144A>T (p.Lys2382Ter)

Gene: ZFYVE26 (zinc finger FYVE-type containing 26; minus strand). Cytogenetic location: 14q24.1.
Variant type: single nucleotide variant.
Coding change: c.7144A>T on transcript NM_015346.4 (MANE Select); coding-DNA position 7144, A replaced by T.
Protein change: p.Lys2382Ter; replaces lysine 2382 with a stop codon.
Molecular consequence: nonsense.
Genome position (GRCh38, 1-based): chr14:67,753,751, T>A on the plus strand (A>T on the coding strand, the complement: ZFYVE26 is on the minus strand). VCF-style: chr14-67753751-T-A. GRCh37 (hg19) VCF-style: chr14-68220468-T-A.
Other names: short protein forms K2382*.
Identifiers: ClinVar variation 2817590 (VCV002817590.3), dbSNP rs1304918115, ClinGen allele CA390159423.

ClinVar aggregate classification (germline): Pathogenic (1 of 4 stars; one submission).

Conditions:
Spastic paraplegia. Identifiers: MedGen C0037772, HP:0001258.

Submission:

Labcorp Genetics (formerly Invitae), Labcorp
Classification: Pathogenic for Spastic paraplegia. Last evaluated: 2022-11-30. Review status: criteria provided, single submitter. Criteria: Invitae Variant Classification Sherloc (09022015). Collection method: clinical testing. Allele origin: germline.
Comment: For these reasons, this variant has been classified as Pathogenic. This sequence change creates a premature translational stop signal (p.Lys2382*) in the ZFYVE26 gene. It is expected to result in an absent or disrupted protein product. Loss-of-function variants in ZFYVE26 are known to be pathogenic (PMID: 18394578, 19805727). This variant is not present in population databases (gnomAD no frequency). This variant has not been reported in the literature in individuals affected with ZFYVE26-related conditions.

Literature cited by the submitters: PubMed 18394578; PubMed 19805727.